The following is an entry in ClinVar:

NM_001377.3(DYNC2H1):c.10042G>T (p.Gly3348Ter)

Gene: DYNC2H1 (dynein cytoplasmic 2 heavy chain 1; plus strand). Cytogenetic location: 11q22.3.
Variant type: single nucleotide variant.
Coding change: c.10042G>T on transcript NM_001377.3 (MANE Select); coding-DNA position 10042, G replaced by T.
Protein change: p.Gly3348Ter; replaces glycine 3348 with a stop codon.
Molecular consequence: nonsense.
Genome position (GRCh38, 1-based): chr11:103,245,374, G>T. VCF-style: chr11-103245374-G-T. GRCh37 (hg19) VCF-style: chr11-103116103-G-T.
Other names: c.10063G>T, p.Gly3355Ter (NM_001080463.2); short protein forms G3355*, G3348*.
Identifiers: ClinVar variation 6505 (VCV000006505.2), dbSNP rs137853029, ClinGen allele CA210503.
Genomic context (GRCh38, chr11:103,245,374, plus strand): 5'-GAGATGGATGGTGTAGAACCTGTTCTTTATCCATTATTGAGACGAGATCTGGTTGCTCAA[G>T]GTAAATAATTGACACTTTCCAGAGTGTAAATATTTTTAAAATTTCCAAAGTAAGTAATTA-3'

ClinVar aggregate classification (germline): Pathogenic. Review status: criteria provided, single submitter (1 of 4 stars). 2 submissions from 2 submitters: Pathogenic (1). 1 of the submissions does not count toward it. Last evaluated 2025-03-27.

Conditions:
Asphyxiating thoracic dystrophy 3. Also called: Saldino-Noonan Syndrome; SHORT-RIB THORACIC DYSPLASIA 3 WITH OR WITHOUT POLYDACTYLY; POLYDACTYLY WITH NEONATAL CHONDRODYSTROPHY, TYPE I; SHORT-RIB THORACIC DYSPLASIA 3/6 WITH POLYDACTYLY, DIGENIC; Short rib polydactyly syndrome 2B. Identifiers: Orphanet 474, Orphanet 93269, Orphanet 93270, Orphanet 93271, MedGen C0036069, MONDO:0013127, OMIM 613091.

Allele frequency attached by ClinVar (database versions not stated): gnomAD 0.00001.
gnomAD v4.1: 3 of 1,580,180 alleles (0.00019%); highest among the groups gnomAD compares: Non-Finnish European, 0.00017%; no homozygotes.

Submissions (2):

Myriad Genetics, Inc.
Classification: Pathogenic for Asphyxiating thoracic dystrophy 3. Last evaluated: 2025-03-27. Review status: criteria provided, single submitter. Criteria: Myriad Autosomal Dominant, Autosomal Recessive and X-Linked Classification Criteria (2023). Collection method: clinical testing. Allele origin: unknown.
Comment: NM_001377.2(DYNC2H1):c.10042G>T(G3348*) is expected to be pathogenic in the context of DYNC2H1-related disorders. This variant is predicted to lead to an abnormal or absent protein product due to the creation of a premature termination codon in DYNC2H1, a gene where loss-of-function variants are known to be pathogenic. Please note: this variant was assessed in the context of healthy population screening.

OMIM
Classification: Pathogenic for SHORT-RIB THORACIC DYSPLASIA 3 WITHOUT POLYDACTYLY. Last evaluated: 2009-05-01. Review status: no assertion criteria provided. Collection method: literature only. Allele origin: germline. Not counted in ClinVar's aggregate classification.

Literature cited by the submitters: PubMed 19442771 (cited by OMIM).